The following is an entry in ClinVar:

ClinVar aggregate classification (germline): Pathogenic (1 of 4 stars; one submission).

Conditions:
Developmental and epileptic encephalopathy, 2 (DEE2). Also called: CDKL5 deficiency disorder; INFANTILE SPASM SYNDROME, X-LINKED 2. Identifiers: Orphanet 1934, Orphanet 3451, Orphanet 505652, MedGen C4750718, MONDO:0010396, OMIM 300672.
Angelman syndrome-like. Identifiers: MedGen CN128785.

Submission:

Labcorp Genetics (formerly Invitae), Labcorp
Classification: Pathogenic for Developmental and epileptic encephalopathy, 2; Angelman syndrome-like. Last evaluated: 2024-01-22. Review status: criteria provided, single submitter. Criteria: Invitae Variant Classification Sherloc (09022015). Collection method: clinical testing. Allele origin: germline.
Comment: This sequence change creates a premature translational stop signal (p.Glu101*) in the CDKL5 gene. It is expected to result in an absent or disrupted protein product. Loss-of-function variants in CDKL5 are known to be pathogenic (PMID: 22872100). This variant is not present in population databases (gnomAD no frequency). This variant has not been reported in the literature in individuals affected with CDKL5-related conditions. For these reasons, this variant has been classified as Pathogenic.

Literature cited by the submitters: PubMed 22872100.

NM_001323289.2(CDKL5):c.301G>T (p.Glu101Ter)

Gene: CDKL5 (cyclin dependent kinase like 5; plus strand). Cytogenetic location: Xp22.13.
Variant type: single nucleotide variant.
Coding change: c.301G>T on transcript NM_001323289.2 (MANE Select); coding-DNA position 301, G replaced by T.
Protein change: p.Glu101Ter; replaces glutamic acid 101 with a stop codon.
Molecular consequence: nonsense.
Genome position (GRCh38, 1-based): chrX:18,579,866, G>T. VCF-style: chrX-18579866-G-T. GRCh37 (hg19) VCF-style: chrX-18597986-G-T.
Other names: c.301G>T, p.Glu101Ter (NM_001037343.2, NM_003159.3); short protein forms E101*.
Identifiers: ClinVar variation 3753525 (VCV003753525.2).